The following is an entry in ClinVar:

ClinVar aggregate classification (germline): Likely benign (0 of 4 stars; one submission).

Conditions:
NEK1-related disorder. Also called: NEK1-related condition.

Submission:

PreventionGenetics, part of Exact Sciences
Classification: Likely benign for NEK1-related condition. Last evaluated: 2022-06-21. Review status: no assertion criteria provided. Collection method: clinical testing. Allele origin: germline.
Comment: This variant is classified as likely benign based on ACMG/AMP sequence variant interpretation guidelines (Richards et al. 2015 PMID: 25741868, with internal and published modifications).

NM_001199397.3(NEK1):c.869-4C>T

Gene: NEK1 (NIMA related kinase 1; minus strand). Cytogenetic location: 4q33.
Variant type: single nucleotide variant.
Coding change: c.869-4C>T on transcript NM_001199397.3 (MANE Select); 4 bases into the intron before coding-DNA position 869, C replaced by T.
Molecular consequence: intron variant.
Genome position (GRCh38, 1-based): chr4:169,577,083, G>A on the plus strand (C>T on the coding strand, the complement: NEK1 is on the minus strand). VCF-style: chr4-169577083-G-A. GRCh37 (hg19) VCF-style: chr4-170498234-G-A.
Other names: c.869-4C>T (NM_001374421.1, NM_001374420.1, NM_001199399.3 and 7 more transcripts).
Identifiers: ClinVar variation 3354247 (VCV003354247.1).